The following is an entry in ClinVar:

ClinVar aggregate classification (germline): Uncertain significance. Review status: criteria provided, multiple submitters, no conflicts (2 of 4 stars). 2 submissions from 2 submitters: Uncertain significance (2). Last evaluated 2024-01-11.

Conditions:
Arrhythmogenic right ventricular dysplasia 5. Also called: Arrhythmogenic Right Ventricular Dysplasia/Cardiomyopathy 5; ARRHYTHMOGENIC RIGHT VENTRICULAR DYSPLASIA, FAMILIAL, 5. Identifiers: MedGen C1858379, MONDO:0011459, OMIM 604400.
Cardiovascular phenotype. Identifiers: MedGen CN230736.

Submissions (2):

All of Us Research Program, National Institutes of Health
Classification: Uncertain significance for Arrhythmogenic right ventricular dysplasia 5. Last evaluated: 2024-01-11. Review status: criteria provided, single submitter. Criteria: ACMG Guidelines, 2015. Collection method: clinical testing. Allele origin: germline. Inheritance: Autosomal dominant inheritance. Observed: 1 variant allele, 1 heterozygote.
Comment: This study involves interpretation of variants in research participants for the purpose of population health screening. Participant phenotype was not available at the time of variant classification. Additional details can be found in publication PMID: 35346344, PMCID: PMC8962531

Ambry Genetics
Classification: Uncertain significance for Cardiovascular phenotype. Last evaluated: 2022-04-27. Review status: criteria provided, single submitter. Criteria: Ambry Variant Classification Scheme 2023. Collection method: clinical testing. Allele origin: germline.
Comment: The c.724delT variant, located in coding exon 9 of the TMEM43 gene, results from a deletion of one nucleotide at nucleotide position 724, causing a translational frameshift with a predicted alternate stop codon (p.S242Pfs*7). This alteration is expected to result in premature protein truncation or nonsense-mediated mRNA decay. However, loss of function of TMEM43 has not been clearly established as a mechanism of disease. Since supporting evidence is limited at this time, the clinical significance of this alteration remains unclear.

NM_024334.3(TMEM43):c.724del (p.Ser242fs)

Gene: TMEM43 (transmembrane protein 43; plus strand). Cytogenetic location: 3p25.1.
Variant type: Deletion.
Coding change: c.724del on transcript NM_024334.3 (MANE Select); coding-DNA position 724, one base deleted (T; older notation c.724delT).
Protein change: p.Ser242fs; shifts the reading frame from serine 242.
Molecular consequence: frameshift variant.
Genome position (GRCh38, 1-based): chr3:14,135,176, T deleted. VCF-style (leftmost placement, unchanged base first): chr3-14135175-CT-C. GRCh37 (hg19) VCF-style: chr3-14176675-CT-C.
Other names: c.727delT, p.Ser243Profs (NM_001407274.1); c.724delT, p.Ser242Profs (NM_001407275.1, NM_001407276.1, NM_001407277.1); c.709delT, p.Ser237Profs (NM_001407278.1); c.574delT, p.Ser192Profs (NM_001407280.1); short protein forms S242fs.
Identifiers: ClinVar variation 1757910 (VCV001757910.3), dbSNP rs2470189211, ClinGen allele CA2577516521.